The following is an entry in ClinVar:

ClinVar aggregate classification (germline): Benign/Likely benign. Review status: criteria provided, multiple submitters, no conflicts (2 of 4 stars). 3 submissions from 3 submitters: Benign (1); Likely benign (2). Last evaluated 2026-01-13.

Allele frequency attached by ClinVar (database versions not stated): gnomAD 0.00021 and 0.00037; gnomAD exomes 0.00034 and 0.00097; TOPMed 0.00062; ExAC 0.00091; 1000 Genomes Project 30x 0.00203; 1000 Genomes Project 0.00260.
gnomAD v4.1: 546 of 1,614,072 alleles (0.034%); highest among the groups gnomAD compares: East Asian, 1.1%; 4 homozygotes.

Submissions (3):

Labcorp Genetics (formerly Invitae), Labcorp
Classification: Benign. Last evaluated: 2026-01-13. Review status: criteria provided, single submitter. Criteria: Invitae Variant Classification Sherloc (09022015). Collection method: clinical testing. Allele origin: germline.

Blueprint Genetics
Classification: Likely benign. Last evaluated: 2024-10-14. Review status: criteria provided, single submitter. Criteria: ACMG Guidelines, 2015. Collection method: clinical testing. Allele origin: germline.

GeneDx
Classification: Likely benign. Last evaluated: 2017-06-23. Review status: criteria provided, single submitter. Criteria: GeneDx Variant Classification (06012015). Collection method: clinical testing. Allele origin: germline. Affected: yes.
Comment: This variant is considered likely benign or benign based on one or more of the following criteria: it is a conservative change, it occurs at a poorly conserved position in the protein, it is predicted to be benign by multiple in silico algorithms, and/or has population frequency not consistent with disease.

NM_001852.4(COL9A2):c.249+19G>A

Gene: COL9A2 (collagen type IX alpha 2 chain; minus strand). Cytogenetic location: 1p34.2.
Variant type: single nucleotide variant.
Coding change: c.249+19G>A on transcript NM_001852.4 (MANE Select); 19 bases into the intron after coding-DNA position 249, G replaced by A.
Molecular consequence: intron variant.
Genome position (GRCh38, 1-based): chr1:40,314,186, C>T on the plus strand (G>A on the coding strand, the complement: COL9A2 is on the minus strand). VCF-style: chr1-40314186-C-T. GRCh37 (hg19) VCF-style: chr1-40779858-C-T.
Identifiers: ClinVar variation 518164 (VCV000518164.10), dbSNP rs117844512, ClinGen allele CA792055.
Genomic context (GRCh38, chr1:40,314,186, plus strand): 5'-CAGTGAAGATGCCAGAGCCAGGCCCTGGAGGTCAATTGGCAGAGCCCTACCCTGCCCCAC[C>T]CGACACTCAGCTACTCACATCAATCCCGGGCTTCCCGTCTGGCCCATCTGGCCCAGCTTT-3'